The following is an entry in ClinVar:

NM_000535.7(PMS2):c.1202A>T (p.Asp401Val)

Gene: PMS2 (PMS1 homolog 2, mismatch repair system component; minus strand). Cytogenetic location: 7p22.1.
Variant type: single nucleotide variant.
Coding change: c.1202A>T on transcript NM_000535.7 (MANE Select); coding-DNA position 1202, A replaced by T.
Protein change: p.Asp401Val; replaces aspartic acid 401 with valine.
Molecular consequence: missense variant. On other transcripts: non-coding transcript variant (1), intron variant (1).
Genome position (GRCh38, 1-based): chr7:5,987,563, T>A on the plus strand (A>T on the coding strand, the complement: PMS2 is on the minus strand). VCF-style: chr7-5987563-T-A. GRCh37 (hg19) VCF-style: chr7-6027194-T-A.
Other names: c.1046A>T, p.Asp349Val (NM_001322006.2, NM_001406870.1); c.884A>T, p.Asp295Val (NM_001322007.2, NM_001322008.2, NM_001406876.1 and 2 more transcripts); c.797A>T, p.Asp266Val (NM_001322009.2, NM_001322003.2, NM_001322004.2 and 16 more transcripts); c.641A>T, p.Asp214Val (NM_001322010.2, NM_001406906.1, NM_001406907.1); c.269A>T, p.Asp90Val (NM_001322011.2, NM_001322012.2); c.629A>T, p.Asp210Val (NM_001322013.2, NM_001406909.1); c.1202A>T, p.Asp401Val (NM_001322014.2, NM_001406871.1, NM_001406872.1); c.893A>T, p.Asp298Val (NM_001322015.2, NM_001406875.1, NM_001406877.1 and 5 more transcripts); and 13 more; short protein forms D210V, D230V, D243V, D295V, D335V, D144V, D246V, D298V.
Identifiers: ClinVar variation 4140494 (VCV004140494.1).

ClinVar aggregate classification (germline): Uncertain significance (1 of 4 stars; one submission).

Conditions:
Hereditary cancer-predisposing syndrome. Also called: Hereditary neoplastic syndrome; Neoplastic Syndromes, Hereditary; Tumor predisposition; Hereditary Cancer Syndrome. Identifiers: Orphanet 140162, MedGen C0027672, MeSH D009386, MONDO:0015356.

Submission:

Ambry Genetics
Classification: Uncertain significance for Hereditary cancer-predisposing syndrome. Last evaluated: 2025-06-22. Review status: criteria provided, single submitter. Criteria: Ambry Variant Classification Scheme 2023. Collection method: clinical testing. Allele origin: germline.
Comment: The p.D401V variant (also known as c.1202A>T), located in coding exon 11 of the PMS2 gene, results from an A to T substitution at nucleotide position 1202. The aspartic acid at codon 401 is replaced by valine, an amino acid with highly dissimilar properties. This amino acid position is conserved. In addition, this alteration is predicted to be tolerated by in silico analysis. Based on the available evidence, the clinical significance of this variant remains unclear.